The following is an entry in ClinVar:

GRCh38/hg38 2p22.2-22.1(chr2:36809304-38309455)x3

Genes: ATL2 (atlastin GTPase 2; minus strand), CDC42EP3 (CDC42 effector protein 3; minus strand), CEBPZ (CCAAT enhancer binding protein zeta; minus strand), CEBPZOS (CEBPZ opposite strand; plus strand), CYP1B1 (cytochrome P450 family 1 subfamily B member 1; minus strand) and 63 more. Cytogenetic location: 2p22.2-22.1.
Variant type: copy number gain.
Change: copy number 3 (three copies instead of two) of chr2:36,809,304-38,309,455 (1.50 Mb, GRCh38 coordinates, 1-based), cytogenetic band 2p22.2-22.1.
Identifiers: ClinVar variation 57240 (VCV000057240.1).

ClinVar aggregate classification (germline): Uncertain significance (1 of 4 stars; one submission).

Submission:

ISCA site 4
Classification: Uncertain significance. Last evaluated: 2011-08-12. Review status: criteria provided, single submitter. Criteria: Kaminsky et al. (Genet Med. 2011). Collection method: clinical testing. Allele origin: unknown. Affected: yes. Observed: 1 variant allele.
Comment: Copy number variation identified through the course of routine clinical cytogenomic testing in postnatal populations. Clinical assertions have been curated as described in Kaminsky et al. 2011.